The following is an entry in ClinVar:

NM_000543.5(SMPD1):c.416T>C (p.Leu139Pro)

Gene: SMPD1 (sphingomyelin phosphodiesterase 1; plus strand). Cytogenetic location: 11p15.4.
Variant type: single nucleotide variant.
Coding change: c.416T>C on transcript NM_000543.5 (MANE Select); coding-DNA position 416, T replaced by C.
Protein change: p.Leu139Pro; replaces leucine 139 with proline.
Molecular consequence: missense variant. On other transcripts: 5 prime UTR variant (1), non-coding transcript variant (2).
Genome position (GRCh38, 1-based): chr11:6,391,481, T>C. VCF-style: chr11-6391481-T-C. GRCh37 (hg19) VCF-style: chr11-6412711-T-C.
Other names: c.416T>C (NM_000543.4); c.413T>C, p.Leu138Pro (NM_001007593.3); c.416T>C, p.Leu139Pro (NM_001318087.2, NM_001365135.2); c.-546T>C (NM_001318088.2); short protein forms L139P, L138P.
Identifiers: ClinVar variation 203424 (VCV000203424.13), dbSNP rs797044797, ClinGen allele CA347285.

ClinVar aggregate classification (germline): Pathogenic/Likely pathogenic. Review status: criteria provided, multiple submitters, no conflicts (2 of 4 stars). 6 submissions from 6 submitters: Pathogenic (2); Likely pathogenic (3). 1 of the submissions does not count toward it. Last evaluated 2025-09-19.

Conditions:
Niemann-Pick disease, type A. Also called: Infantile Neurovisceral ASMD (Niemann-Pick Disease Type A; NPD-A); SPHINGOMYELIN LIPIDOSIS; SPHINGOMYELINASE DEFICIENCY. Identifiers: Orphanet 77292, MedGen C0268242, MONDO:0009756, OMIM 257200. Disease mechanism: loss of function.
Niemann-Pick disease, type B. Also called: Chronic Visceral ASMD (Niemann-Pick Disease Type B; NPD-B). Identifiers: Orphanet 77293, MedGen C0268243, MONDO:0011871, OMIM 607616. Disease mechanism: loss of function.
Sphingomyelin/cholesterol lipidosis. Also called: Niemann-Pick disease. Identifiers: MedGen C0028064, MONDO:0001982.

Allele frequency attached by ClinVar (database versions not stated): TOPMed 0.00001; gnomAD exomes below 0.00001.
gnomAD v4.1: 1 of 1,613,998 alleles (0.000062%); highest among the groups gnomAD compares: Middle Eastern, 0.017%; no homozygotes.

Submissions (6):

Natera, Inc.
Classification: Pathogenic for Niemann-Pick Disease, Types A/B. Last evaluated: 2025-09-19. Review status: criteria provided, single submitter. Criteria: Natera Variant Classification Schema (03/2026). Collection method: clinical testing. Allele origin: germline.
Comment: The c.416T>C variant in SMPD1 is a missense variant predicted to cause substitution of leucine to proline at amino acid 139. This variant is rare in the general population with a frequency below the threshold expected for the associated phenotype(s). This variant has been observed in one or more individuals affected with the associated recessive disease, as either homozygous or compound heterozygous with a second variant (PMID: 23618813, 34554397, 15241805, 23618813). Functional studies show that this variant may disrupt protein function (PMID: 15241805). Computational prediction algorithms indicate this variant is likely to affect gene or protein function. Given the available evidence, this variant is classified as Pathogenic.

Labcorp Genetics (formerly Invitae), Labcorp
Classification: Pathogenic for Niemann-Pick disease, type B; Niemann-Pick disease, type A. Last evaluated: 2023-11-24. Review status: criteria provided, single submitter. Criteria: Invitae Variant Classification Sherloc (09022015). Collection method: clinical testing. Allele origin: germline.
Comment: This sequence change replaces leucine, which is neutral and non-polar, with proline, which is neutral and non-polar, at codon 139 of the SMPD1 protein (p.Leu139Pro). This variant is not present in population databases (gnomAD no frequency). This missense change has been observed in individuals with Niemann-Pick disease type B (PMID: 12369017, 34554397). This variant is also known as L137P. ClinVar contains an entry for this variant (Variation ID: 203424). Advanced modeling of protein sequence and biophysical properties (such as structural, functional, and spatial information, amino acid conservation, physicochemical variation, residue mobility, and thermodynamic stability) performed at Invitae indicates that this missense variant is expected to disrupt SMPD1 protein function with a positive predictive value of 95%. For these reasons, this variant has been classified as Pathogenic.

Genome-Nilou Lab
Classification: Likely pathogenic for Niemann-Pick disease, type B. Last evaluated: 2021-07-22. Review status: criteria provided, single submitter. Criteria: ACMG Guidelines, 2015. Collection method: clinical testing. Allele origin: germline. Affected: no.

Genomic Research Center, Shahid Beheshti University of Medical Sciences
Classification: Likely pathogenic. Last evaluated: 2020-05-03. Review status: criteria provided, single submitter. Criteria: ACMG Guidelines, 2015. Collection method: clinical testing. Allele origin: unknown. Affected: yes.

Kariminejad - Najmabadi Pathology & Genetics Center
Classification: Likely pathogenic for Niemann-Pick disease, type A. Review status: criteria provided, single submitter. Criteria: ACMG Guidelines, 2015. Collection method: clinical testing. Allele origin: germline. Affected: no.

GeneReviews
No classification provided. Condition: Sphingomyelin/cholesterol lipidosis. Review status: no classification provided. Collection method: literature only. Allele origin: germline. Not counted in ClinVar's aggregate classification.
Comment: Some evidence suggests that this pathogenic variant is associated with a less severe form of Niemann-Pick disease type B

Literature cited by the submitters: PubMed 23618813 (cited by Natera, Inc.); PubMed 34554397 (cited by Natera, Inc. and Labcorp Genetics (formerly Invitae), Labcorp); PubMed 15241805 (cited by Natera, Inc.); PubMed 12369017 (cited by Labcorp Genetics (formerly Invitae), Labcorp and GeneReviews).